The following is an entry in ClinVar:

ClinVar aggregate classification (germline): Likely pathogenic (1 of 4 stars; one submission).

Submission:

Labcorp Genetics (formerly Invitae), Labcorp
Classification: Likely pathogenic. Last evaluated: 2025-11-11. Review status: criteria provided, single submitter. Criteria: Invitae Variant Classification Sherloc (09022015). Collection method: clinical testing. Allele origin: germline.
Comment: This sequence change replaces glycine, which is neutral and non-polar, with tryptophan, which is neutral and slightly polar, at codon 308 of the COL4A1 protein (p.Gly308Trp). This variant is not present in population databases (gnomAD no frequency). This variant has not been reported in the literature in individuals affected with COL4A1-related conditions. Invitae Evidence Modeling of protein sequence and biophysical properties (such as structural, functional, and spatial information, amino acid conservation, physicochemical variation, residue mobility, and thermodynamic stability) indicates that this missense variant is expected to disrupt COL4A1 protein function with a positive predictive value of 95%. This variant disrupts the triple helix domain of COL4A1. Glycine residues within the Gly-Xaa-Yaa repeats of the triple helix domain are required for the structure and stability of fibrillar collagens (PMID: 7695699, 8218237, 19344236). In COL4A1 variants affecting these glycine residues are significantly enriched in individuals with disease (PMID: 9016532, 17078022) compared to the general population (ExAC). In summary, the currently available evidence indicates that the variant is pathogenic, but additional data are needed to prove that conclusively. Therefore, this variant has been classified as Likely Pathogenic.

Literature cited by the submitters: PubMed 7695699; PubMed 8218237; PubMed 19344236; PubMed 9016532; PubMed 17078022.

NM_001845.6(COL4A1):c.922G>T (p.Gly308Trp)

Gene: COL4A1 (collagen type IV alpha 1 chain; minus strand). Cytogenetic location: 13q34.
Variant type: single nucleotide variant.
Coding change: c.922G>T on transcript NM_001845.6 (MANE Select); coding-DNA position 922, G replaced by T.
Protein change: p.Gly308Trp; replaces glycine 308 with tryptophan.
Molecular consequence: missense variant.
Genome position (GRCh38, 1-based): chr13:110,205,388, C>A on the plus strand (G>T on the coding strand, the complement: COL4A1 is on the minus strand). VCF-style: chr13-110205388-C-A. GRCh37 (hg19) VCF-style: chr13-110857735-C-A.
Other names: c.922G>T, p.Gly308Trp (NM_001303110.2); short protein forms G308W.
Identifiers: ClinVar variation 4746058 (VCV004746058.1).